The following is an entry in ClinVar:

NM_001278064.2(GRM1):c.3519C>A (p.Thr1173=)

Gene: GRM1 (glutamate metabotropic receptor 1; plus strand). Cytogenetic location: 6q24.3.
Variant type: single nucleotide variant.
Coding change: c.3519C>A on transcript NM_001278064.2 (MANE Select); coding-DNA position 3519, C replaced by A.
Protein change: p.Thr1173=; no amino-acid change (threonine 1173 retained).
Molecular consequence: synonymous variant. On other transcripts: 3 prime UTR variant (3).
Genome position (GRCh38, 1-based): chr6:146,434,730, C>A. VCF-style: chr6-146434730-C-A. GRCh37 (hg19) VCF-style: chr6-146755866-C-A.
Other names: c.*883C>A (NM_001278065.2); c.*848C>A (NM_001278066.1); c.*757C>A (NM_001278067.1).
Identifiers: ClinVar variation 4682307 (VCV004682307.1).

ClinVar aggregate classification (germline): Uncertain significance (1 of 4 stars; one submission).

gnomAD v4.1: 10 of 1,601,106 alleles (0.00062%); highest among the groups gnomAD compares: Non-Finnish European, 0.00085%; no homozygotes.

Submission:

Athena Diagnostics
Classification: Uncertain significance. Last evaluated: 2024-12-31. Review status: criteria provided, single submitter. Criteria: Athena Diagnostics Criteria. Collection method: clinical testing. Allele origin: unknown.
Comment: Available data are insufficient to determine the clinical significance of the variant at this time. This variant has not been reported in large, multi-ethnic general populations. Computational tools yielded predictions that this variant is unlikely to have an effect on normal RNA splicing.